The following is an entry in ClinVar:

ClinVar aggregate classification (germline): Uncertain significance. Review status: criteria provided, multiple submitters, no conflicts (2 of 4 stars). 2 submissions from 2 submitters: Uncertain significance (2). Last evaluated 2021-12-03.

Conditions:
Abnormal sperm morphology. Also called: Teratozoospermia. Identifiers: MedGen C0403824, HP:0012864.
Reduced sperm motility. Also called: asthenozoospermia. Identifiers: MedGen C4082176, HP:0012207.
Oligospermia. Identifiers: MedGen C0028960, MeSH D009845, MONDO:0001913.

Allele frequency attached by ClinVar (database versions not stated): TOPMed 0.00005.
gnomAD v4.1: 74 of 1,612,044 alleles (0.0046%); highest among the groups gnomAD compares: Non-Finnish European, 0.0057%; no homozygotes.

Submissions (2):

Ambry Genetics
Classification: Uncertain significance. Last evaluated: 2021-12-03. Review status: criteria provided, single submitter. Criteria: Ambry Variant Classification Scheme 2023. Collection method: clinical testing. Allele origin: germline.

Foundation for Research in Genetics and Endocrinology, FRIGE's Institute of Human Genetics
Classification: Uncertain significance for Abnormal sperm morphology; Oligozoospermia; Reduced sperm motility. Review status: criteria provided, single submitter. Criteria: ACMG Guidelines, 2015. Collection method: clinical testing. Allele origin: germline. Inheritance: Autosomal recessive inheritance. Affected: yes. Observed: 1 homozygote.
Comment: A Homozygous missense variation in exon of the FAM83F gene that results in the substitution of Leucine for Arginine at position 224 (p.Arg224Leu) was detected. This variant has not been reported in the gnomAD database at MAF of 0.004%, although no homozygotes are observed. The in silico predictions of the variant are damaging by SIFT, PolyPhen, MutationTaster2, CADD and REVEL. In summary, the variant meets our criteria to be classified as a variant of uncertain significance.

NM_138435.4(FAM83F):c.671G>A (p.Arg224His)

Gene: FAM83F (family with sequence similarity 83 member F; plus strand). Cytogenetic location: 22q13.1.
Variant type: single nucleotide variant.
Coding change: c.671G>A on transcript NM_138435.4 (MANE Select); coding-DNA position 671, G replaced by A.
Protein change: p.Arg224His; replaces arginine 224 with histidine.
Molecular consequence: missense variant.
Genome position (GRCh38, 1-based): chr22:40,019,900, G>A. VCF-style: chr22-40019900-G-A. GRCh37 (hg19) VCF-style: chr22-40415904-G-A.
Other names: (p.Arg224Leu); short protein forms R224H.
Identifiers: ClinVar variation 2391262 (VCV002391262.4), dbSNP rs536050162, ClinGen allele CA10246072.